The following is an entry in ClinVar:

NM_017837.4(PIGV):c.1006A>G (p.Ile336Val)

Gene: PIGV (phosphatidylinositol glycan anchor biosynthesis class V; plus strand). Cytogenetic location: 1p36.11.
Variant type: single nucleotide variant.
Coding change: c.1006A>G on transcript NM_017837.4 (MANE Select); coding-DNA position 1006, A replaced by G.
Protein change: p.Ile336Val; replaces isoleucine 336 with valine.
Molecular consequence: missense variant. On other transcripts: non-coding transcript variant (1), intron variant (1).
Genome position (GRCh38, 1-based): chr1:26,795,040, A>G. VCF-style: chr1-26795040-A-G. GRCh37 (hg19) VCF-style: chr1-27121531-A-G.
Other names: c.1006A>G, p.Ile336Val (NM_001202554.2, NM_001374478.1, NM_001374480.1 and 2 more transcripts); c.625A>G, p.Ile209Val (NM_001374483.1); c.379A>G, p.Ile127Val (NM_001374484.1, NM_001374485.1); c.79-2523A>G (NM_001374486.1); short protein forms I127V, I209V, I336V.
Identifiers: ClinVar variation 1423084 (VCV001423084.8), dbSNP rs758278375, ClinGen allele CA708154.
Genomic context (GRCh38, chr1:26,795,040, plus strand): 5'-TTTTTGAAATACTATGAGCTCAAGCAGGTGCCCAATTTTCTACTGGCTGCACCAGTGGCT[A>G]TACTGGTTGCCTGGGCAACTTGGACATACGTGACCACTCACCCTTGGCTCTGCCTTACAC-3'
Protein context (NP_060307.2, residues 326-346): PNFLLAAPVA[Ile336Val]LVAWATWTYV

ClinVar aggregate classification (germline): Uncertain significance (1 of 4 stars; one submission).

Allele frequency attached by ClinVar (database versions not stated): gnomAD exomes 0.00001; ExAC 0.00002; gnomAD 0.00003; TOPMed 0.00005.
gnomAD v4.1: 11 of 1,613,978 alleles (0.00068%); highest among the groups gnomAD compares: African/African-American, 0.0093%; no homozygotes.

Submission:

Labcorp Genetics (formerly Invitae), Labcorp
Classification: Uncertain significance. Last evaluated: 2021-12-02. Review status: criteria provided, single submitter. Criteria: Invitae Variant Classification Sherloc (09022015). Collection method: clinical testing. Allele origin: germline.
Comment: Algorithms developed to predict the effect of missense changes on protein structure and function output the following: SIFT: "Tolerated"; PolyPhen-2: "Benign"; Align-GVGD: "Class C0". The valine amino acid residue is found in multiple mammalian species, which suggests that this missense change does not adversely affect protein function. This variant has not been reported in the literature in individuals affected with PIGV-related conditions. This variant is present in population databases (rs758278375, gnomAD 0.007%). This sequence change replaces isoleucine, which is neutral and non-polar, with valine, which is neutral and non-polar, at codon 336 of the PIGV protein (p.Ile336Val). In summary, the available evidence is currently insufficient to determine the role of this variant in disease. Therefore, it has been classified as a Variant of Uncertain Significance.